The following is an entry in ClinVar:

ClinVar aggregate classification (germline): Conflicting classifications of pathogenicity. Review status: criteria provided, conflicting classifications (1 of 4 stars). 9 submissions from 9 submitters: Uncertain significance (7); Benign (1). 1 of the submissions does not count toward it. Last evaluated 2025-04-07.

Conditions:
Spastic paraplegia. Identifiers: MedGen C0037772, HP:0001258.
Charlevoix-Saguenay spastic ataxia (SACS). Also called: AUTOSOMAL RECESSIVE SPASTIC ATAXIA OF CHARLEVOIX-SAGUENAY; Spastic ataxia of Charlevoix-Saguenay; SPASTIC ATAXIA 6, AUTOSOMAL RECESSIVE. Identifiers: Orphanet 98, MedGen C1849140, MONDO:0010041, OMIM 270550.
Inborn genetic diseases. Identifiers: MedGen C0950123, MeSH D030342.

Allele frequency attached by ClinVar (database versions not stated): ExAC 0.00001; gnomAD exomes 0.00002 and 0.00005; gnomAD 0.00003 and 0.00004; TOPMed 0.00003.
gnomAD v4.1: 78 of 1,613,846 alleles (0.0048%); highest among the groups gnomAD compares: African/African-American, 0.008%; no homozygotes.

Submissions (9):

Ambry Genetics
Classification: Uncertain significance for Inborn genetic diseases. Last evaluated: 2025-04-07. Review status: criteria provided, single submitter. Criteria: Ambry Variant Classification Scheme 2023. Collection method: clinical testing. Allele origin: germline.

Labcorp Genetics (formerly Invitae), Labcorp
Classification: Benign for Spastic paraplegia. Last evaluated: 2024-01-06. Review status: criteria provided, single submitter. Criteria: Invitae Variant Classification Sherloc (09022015). Collection method: clinical testing. Allele origin: germline.

Blueprint Genetics
Classification: Uncertain significance. Last evaluated: 2022-02-07. Review status: criteria provided, single submitter. Criteria: ACMG Guidelines, 2015. Collection method: clinical testing. Allele origin: germline.

Genome-Nilou Lab
Classification: Uncertain significance for Charlevoix-Saguenay spastic ataxia. Last evaluated: 2021-09-05. Review status: criteria provided, single submitter. Criteria: ACMG Guidelines, 2015. Collection method: clinical testing. Allele origin: germline. Affected: no.

Athena Diagnostics
Classification: Uncertain significance. Last evaluated: 2020-01-30. Review status: criteria provided, single submitter. Criteria: Athena Diagnostics Criteria. Collection method: clinical testing. Allele origin: unknown.

Baylor Genetics
Classification: Uncertain significance for Charlevoix-Saguenay spastic ataxia. Last evaluated: 2019-11-07. Review status: criteria provided, single submitter. Criteria: ACMG Guidelines, 2015. Collection method: clinical testing. Allele origin: unknown. Affected: yes.
Comment: This variant was determined to be of uncertain significance according to ACMG Guidelines, 2015 [PMID:25741868].

Breakthrough Genomics
Classification: Uncertain significance. Review status: criteria provided, single submitter. Criteria: ACMG Guidelines, 2015. Collection method: not provided. Allele origin: germline. Inheritance: Autosomal recessive inheritance. Affected: yes.

Neuberg Centre For Genomic Medicine, NCGM
Classification: Uncertain significance for Charlevoix-Saguenay spastic ataxia. Review status: criteria provided, single submitter. Criteria: ACMG Guidelines, 2015. Collection method: clinical testing. Allele origin: germline. Inheritance: Autosomal recessive inheritance. Affected: yes.
Comment: The missense variant .8192G>A (p.Arg2731His)in SACS gene has not been reported previously as a pathogenic variant nor as a benign variant, to our knowledge. This variant is observed in 0.002% alleles in gnomAD Exomes and is novel (not in any individuals) in 1000 Genomes. It has been submitted to ClinVar as a variant of uncertain significance. The amino acid Arginine at position 2731 is changed to a Histidine changing protein sequence and it might alter its composition and physico-chemical properties. The variant is predicted to be damaging by both SIFT and PolyPhen2. The residue is conserved across species. For these reasons, this variant has been classified as Uncertain Significance.

Natera, Inc.
Classification: Uncertain significance for Charlevoix-Saguenay type spastic ataxia. Last evaluated: 2020-02-03. Review status: no assertion criteria provided. Collection method: clinical testing. Allele origin: germline. Not counted in ClinVar's aggregate classification.

NM_014363.6(SACS):c.8192G>A (p.Arg2731His)

Gene: SACS (sacsin molecular chaperone; minus strand). Cytogenetic location: 13q12.12.
Variant type: single nucleotide variant.
Coding change: c.8192G>A on transcript NM_014363.6 (MANE Select); coding-DNA position 8192, G replaced by A.
Protein change: p.Arg2731His; replaces arginine 2731 with histidine.
Molecular consequence: missense variant.
Genome position (GRCh38, 1-based): chr13:23,335,684, C>T on the plus strand (G>A on the coding strand, the complement: SACS is on the minus strand). VCF-style: chr13-23335684-C-T. GRCh37 (hg19) VCF-style: chr13-23909823-C-T.
Other names: c.7751G>A, p.Arg2584His (NM_001278055.2); short protein forms R2584H, R2731H.
Identifiers: ClinVar variation 994460 (VCV000994460.14), dbSNP rs201127191, ClinGen allele CA6910810.